The following is an entry in ClinVar:

ClinVar aggregate classification (germline): Uncertain significance. Review status: criteria provided, single submitter (1 of 4 stars). 2 submissions from 2 submitters: Uncertain significance (1). 1 of the submissions does not count toward it. Last evaluated 2024-08-06.

Conditions:
Finnish congenital nephrotic syndrome (NPHS1). Also called: NEPHROTIC SYNDROME, TYPE 1. Identifiers: Orphanet 839, MedGen C0403399, MONDO:0009732, OMIM 256300.

Submissions (2):

Women's Health and Genetics/Laboratory Corporation of America, LabCorp
Classification: Uncertain significance. Last evaluated: 2024-08-06. Review status: criteria provided, single submitter. Criteria: LabCorp Variant Classification Summary - May 2015. Collection method: clinical testing. Allele origin: germline.
Comment: Variant summary: NPHS1 c.1039G>A (p.Gly347Arg) results in a non-conservative amino acid change located in the Immunoglobulin subtype domain (IPR003599) of the encoded protein sequence. Four of four in-silico tools predict a damaging effect of the variant on protein function. The variant was absent in 251442 control chromosomes. The available data on variant occurrences in the general population are insufficient to allow any conclusion about variant significance. c.1039G>A has been reported in the literature in at-least oneindividual affected with Nephrotic Syndrome (example: Machuca_2010). These report(s) do not provide unequivocal conclusions about association of the variant with Nephrotic Syndrome, Type 1. To our knowledge, no experimental evidence demonstrating an impact on protein function has been reported. The following publications have been ascertained in the context of this evaluation (PMID: 20507940, 27019444). ClinVar contains an entry for this variant (Variation ID: 554538). Based on the evidence outlined above, the variant was classified as uncertain significance.

Counsyl
Classification: Uncertain significance for Finnish congenital nephrotic syndrome. Last evaluated: 2017-10-31. Review status: no assertion criteria provided. Collection method: clinical testing. Allele origin: unknown. Not counted in ClinVar's aggregate classification.

Literature cited by the submitters: PubMed 20507940 (cited by Women's Health and Genetics/Laboratory Corporation of America, LabCorp and Counsyl); PubMed 27019444 (cited by Women's Health and Genetics/Laboratory Corporation of America, LabCorp).

NM_004646.4(NPHS1):c.1039G>A (p.Gly347Arg)

Gene: NPHS1 (NPHS1 adhesion molecule, nephrin; minus strand). Cytogenetic location: 19q13.12.
Variant type: single nucleotide variant.
Coding change: c.1039G>A on transcript NM_004646.4 (MANE Select); coding-DNA position 1039, G replaced by A.
Protein change: p.Gly347Arg; replaces glycine 347 with arginine.
Molecular consequence: missense variant.
Genome position (GRCh38, 1-based): chr19:35,848,768, C>T on the plus strand (G>A on the coding strand, the complement: NPHS1 is on the minus strand). VCF-style: chr19-35848768-C-T. GRCh37 (hg19) VCF-style: chr19-36339670-C-T.
Other names: short protein forms G347R.
Identifiers: ClinVar variation 554538 (VCV000554538.3), dbSNP rs1555763367, ClinGen allele CA405406546.
Genomic context (GRCh38, chr19:35,848,768, plus strand): 5'-GACTGGACTTGCTGACACAGGAGAGTGTCACGTTCTTGTTCTCAGTCTGGGATGCAGATC[C>T]CAAGATAATAATGGCACTAGGGGGAACTGCAGGGACAGAGAAGGAAGACACTAAGCTGGG-3'
Protein context (NP_004637.1, residues 337-357): TFPPSAIIIL[Gly347Arg]SASQTENKNV